The following is an entry in ClinVar:

NM_000051.4(ATM):c.4510A>G (p.Thr1504Ala)

Gene: ATM (ATM serine/threonine kinase; plus strand). Cytogenetic location: 11q22.3.
Variant type: single nucleotide variant.
Coding change: c.4510A>G on transcript NM_000051.4 (MANE Select); coding-DNA position 4510, A replaced by G.
Protein change: p.Thr1504Ala; replaces threonine 1504 with alanine.
Molecular consequence: missense variant.
Genome position (GRCh38, 1-based): chr11:108,292,692, A>G. VCF-style: chr11-108292692-A-G. GRCh37 (hg19) VCF-style: chr11-108163419-A-G.
Other names: c.4510A>G, p.Thr1504Ala (NM_001351834.2); short protein forms T1504A.
Identifiers: ClinVar variation 824962 (VCV000824962.22), dbSNP rs767466937, ClinGen allele CA6265487.

ClinVar aggregate classification (germline): Uncertain significance. Review status: criteria provided, multiple submitters, no conflicts (2 of 4 stars). 6 submissions from 6 submitters: Uncertain significance (5). 1 of the submissions does not count toward it. Last evaluated 2025-09-07.

Conditions:
Ataxia-telangiectasia syndrome (AT). Also called: ATAXIA-TELANGIECTASIA, COMPLEMENTATION GROUP A; ATAXIA-TELANGIECTASIA, FRESNO VARIANT; Ataxia-telangiectasia, complementation group E; Ataxia telangiectasia (A-T); LOUIS-BAR SYNDROME; Cerebello-oculocutaneous telangiectasia. Identifiers: Orphanet 100, MedGen C0004135, MONDO:0008840, OMIM 208900.
Hereditary cancer-predisposing syndrome. Also called: Neoplastic Syndromes, Hereditary; Hereditary Cancer Syndrome; Hereditary neoplastic syndrome; Tumor predisposition. Identifiers: Orphanet 140162, MedGen C0027672, MeSH D009386, MONDO:0015356.

Allele frequency attached by ClinVar (database versions not stated): gnomAD exomes below 0.00001 and 0.00001; ExAC 0.00001; gnomAD 0.00001; TOPMed 0.00002.
gnomAD v4.1: 3 of 1,613,884 alleles (0.00019%); highest among the groups gnomAD compares: East Asian, 0.0067%; no homozygotes.

Submissions (6):

Labcorp Genetics (formerly Invitae), Labcorp
Classification: Uncertain significance for Ataxia-telangiectasia syndrome. Last evaluated: 2025-09-07. Review status: criteria provided, single submitter. Criteria: Invitae Variant Classification Sherloc (09022015). Collection method: clinical testing. Allele origin: germline.
Comment: This sequence change replaces threonine, which is neutral and polar, with alanine, which is neutral and non-polar, at codon 1504 of the ATM protein (p.Thr1504Ala). This variant is present in population databases (rs767466937, gnomAD 0.02%). This variant has not been reported in the literature in individuals affected with ATM-related conditions. ClinVar contains an entry for this variant (Variation ID: 824962). Invitae Evidence Modeling of protein sequence and biophysical properties (such as structural, functional, and spatial information, amino acid conservation, physicochemical variation, residue mobility, and thermodynamic stability) indicates that this missense variant is not expected to disrupt ATM protein function with a negative predictive value of 95%. In summary, the available evidence is currently insufficient to determine the role of this variant in disease. Therefore, it has been classified as a Variant of Uncertain Significance.

Ambry Genetics
Classification: Uncertain significance for Hereditary cancer-predisposing syndrome. Last evaluated: 2025-08-11. Review status: criteria provided, single submitter. Criteria: Ambry Variant Classification Scheme 2023. Collection method: clinical testing. Allele origin: germline.
Comment: The p.T1504A variant (also known as c.4510A>G), located in coding exon 29 of the ATM gene, results from an A to G substitution at nucleotide position 4510. The threonine at codon 1504 is replaced by alanine, an amino acid with similar properties. This amino acid position is not well conserved in available vertebrate species. In addition, this alteration is predicted to be tolerated by in silico analysis. Since supporting evidence is limited at this time, the clinical significance of this alteration remains unclear.

Color Diagnostics, LLC DBA Color Health
Classification: Uncertain significance for Hereditary cancer-predisposing syndrome. Last evaluated: 2023-12-05. Review status: criteria provided, single submitter. Criteria: ACMG Guidelines, 2015. Collection method: clinical testing. Allele origin: germline.
Comment: This missense variant replaces threonine with alanine at codon 1504 of the ATM protein. Computational prediction suggests that this variant may not impact protein structure and function (internally defined REVEL score threshold <= 0.5, PMID: 27666373). To our knowledge, functional studies have not been reported for this variant. This variant has not been reported in individuals affected with ATM-related disorders in the literature. This variant has been identified in 3/282714 chromosomes in the general population by the Genome Aggregation Database (gnomAD). The available evidence is insufficient to determine the role of this variant in disease conclusively. Therefore, this variant is classified as a Variant of Uncertain Significance.

GeneDx
Classification: Uncertain significance. Last evaluated: 2023-09-21. Review status: criteria provided, single submitter. Criteria: GeneDx Variant Classification Process June 2021. Collection method: clinical testing. Allele origin: germline. Affected: yes.
Comment: Has not been previously published as pathogenic or benign to our knowledge; In silico analysis supports that this missense variant does not alter protein structure/function; Not observed at significant frequency in large population cohorts (gnomAD)

St. Jude Molecular Pathology, St. Jude Children's Research Hospital
Classification: Uncertain significance for Ataxia-telangiectasia syndrome. Last evaluated: 2022-05-04. Review status: criteria provided, single submitter. Criteria: St. Jude Assertion Criteria 2020. Collection method: clinical testing. Allele origin: germline.
Comment: The ATM c.4510A>G (p.Thr1504Ala) missense change has a maximum subpopulation frequency of 0.015% in gnomAD v2.1.1. The in silico tool REVEL predicts a benign effect of this variant (BP4), but to our knowledge functional assays have not been performed. To our knowledge, this variant has not been reported in individuals with ataxia telangiectasia or hereditary breast cancer. In summary, this variant meets criteria to be classified as of uncertain significance based on the ACMG/AMP criteria, as specified by the ClinGen Hereditary Breast, Ovarian and Pancreatic Cancer Variant Curation Expert Panel: BP4.

Natera, Inc.
Classification: Uncertain significance for Ataxia-telangiectasia. Last evaluated: 2020-09-16. Review status: no assertion criteria provided. Collection method: clinical testing. Allele origin: germline. Not counted in ClinVar's aggregate classification.